The following is an entry in ClinVar:

NM_145068.4(TRPV3):c.*2272T>C

Genes: SPATA22 (spermatogenesis associated 22; minus strand), TRPV3 (transient receptor potential cation channel subfamily V member 3; minus strand). Cytogenetic location: 17p13.2.
Variant type: single nucleotide variant.
Coding change: c.*2272T>C on transcript NM_145068.4 (MANE Select); 2272 bases downstream of the stop codon, T replaced by C.
Molecular consequence: 3 prime UTR variant. On other transcripts: intron variant (2).
Genome position (GRCh38, 1-based): chr17:3,511,645, A>G on the plus strand (T>C on the coding strand, the complement: TRPV3 is on the minus strand). VCF-style: chr17-3511645-A-G. GRCh37 (hg19) VCF-style: chr17-3414939-A-G.
Other names: c.*2272T>C (NM_001258205.2); c.-74+1767T>C (NM_001321336.2, NM_001321337.2).
Identifiers: ClinVar variation 322696 (VCV000322696.8), dbSNP rs4790504, ClinGen allele CA10649868.
Genomic context (GRCh38, chr17:3,511,645, plus strand): 5'-TGGGGTGGACACTGTTGGGAAGAATATCCAATACAGAAAATGGTCTTGCCAACAAATTCC[A>G]TCCAGACCCACAGACAGCAGATCACCAAAACATGTGAGATGACAAACATCCCTATGGCTC-3'

ClinVar aggregate classification (germline): Benign. Review status: criteria provided, multiple submitters, no conflicts (2 of 4 stars). 2 submissions from 2 submitters: Benign (2). Last evaluated 2018-01-13.

Conditions:
Isolated focal non-epidermolytic palmoplantar keratoderma. Also called: Palmoplantar keratoderma, nonepidermolytic, focal 2. Identifiers: Orphanet 448264, MedGen C4225339, MONDO:0014622, OMIM 616400.

Allele frequency attached by ClinVar (database versions not stated): gnomAD 0.89916 and 0.89983; 1000 Genomes Project 30x 0.84510; gnomAD exomes 1.00000; TOPMed 0.88739; 1000 Genomes Project 0.84545.
gnomAD v4.1: 137,066 of 152,232 alleles (90%); highest among the groups gnomAD compares: Non-Finnish European, 98%; 62,611 homozygotes.

Submissions (2):

Illumina Laboratory Services, Illumina
Classification: Benign for Isolated focal non-epidermolytic palmoplantar keratoderma. Last evaluated: 2018-01-13. Review status: criteria provided, single submitter. Criteria: ICSL Variant Classification Criteria 13 December 2019. Collection method: clinical testing. Allele origin: germline.
Comment: This variant was observed in the ICSL laboratory as part of a predisposition screen in an ostensibly healthy population. It had not been previously curated by ICSL or reported in the Human Gene Mutation Database (HGMD: prior to June 1st, 2018), and was therefore a candidate for classification through an automated scoring system. Utilizing variant allele frequency, disease prevalence and penetrance estimates, and inheritance mode, an automated score was calculated to assess if this variant is too frequent to cause the disease. Based on the score and internal cut-off values, a variant classified as benign is not then subjected to further curation. The score for this variant resulted in a classification of benign for this disease.

Breakthrough Genomics
Classification: Benign. Review status: criteria provided, single submitter. Criteria: ACMG Guidelines, 2015. Collection method: not provided. Allele origin: germline. Inheritance: Autosomal dominant inheritance. Affected: yes.